The following is an entry in ClinVar:

NM_000520.6(HEXA):c.929_930del (p.Ser310fs)

Gene: HEXA (hexosaminidase subunit alpha; minus strand). Cytogenetic location: 15q23.
Variant type: Microsatellite.
Coding change: c.929_930del on transcript NM_000520.6 (MANE Select); coding-DNA positions 929 to 930, 2 bases deleted (CT; older notation c.929_930delCT).
Protein change: p.Ser310fs; shifts the reading frame from serine 310.
Molecular consequence: frameshift variant. On other transcripts: non-coding transcript variant (1).
Genome position (GRCh38, 1-based): chr15:72,349,135-72,349,136, AG deleted on the plus strand (CT on the coding strand, the reverse complement: HEXA is on the minus strand); deleting any 2 consecutive bases within chr15:72,349,135-72,349,138 gives the same sequence; the c. name uses the placement nearest the transcript's 3' end. VCF-style (leftmost placement, unchanged base first): chr15-72349134-CAG-C. GRCh37 (hg19) VCF-style: chr15-72641475-CAG-C.
Other names: p.Ser310Cysfs*13; c.929_930delCT (NM_000520.6, NM_000520.4, NM_000520.5); c.962_963del, p.Ser321fs (NM_001318825.2); short protein forms S310fs, S321fs.
Identifiers: ClinVar variation 562219 (VCV000562219.179), dbSNP rs751248523, ClinGen allele CA7644864.

ClinVar aggregate classification (germline): Pathogenic. Review status: criteria provided, multiple submitters, no conflicts (2 of 4 stars). 9 submissions from 9 submitters: Pathogenic (8). 1 of the submissions does not count toward it. Last evaluated 2025-09-12.

Conditions:
HEXA-related disorders.
Tay-Sachs disease (TSD). Also called: GM2 gangliosidosis, type 1; Hexosaminidase alpha-subunit deficiency (variant B); Sphingolipidosis, Tay-Sachs; Hexosaminidase A Deficiency; HEXA Disorders; HEXA DEFICIENCY. Identifiers: Orphanet 845, MedGen C0039373, MONDO:0010100, OMIM 272800.

Submissions (9):

Natera, Inc.
Classification: Pathogenic for Tay-Sachs disease. Last evaluated: 2025-09-12. Review status: criteria provided, single submitter. Criteria: Natera Variant Classification Schema (03/2026). Collection method: clinical testing. Allele origin: germline.
Comment: The c.929_930delCT variant in HEXA is a frameshift variant predicted to shift the reading frame beginning at codon 310 and leads to a stop codon 13 codons downstream. This variant is expected to result in nonsense mediated decay, truncation, or a dysfunctional protein product. This variant is rare in the general population with a frequency below the threshold expected for the associated phenotype(s). This variant has been observed in one or more individuals affected with the associated recessive disease, as either homozygous or compound heterozygous with a second variant (PMID: 29352662). Given the available evidence, this variant is classified as Pathogenic.

Labcorp Genetics (formerly Invitae), Labcorp
Classification: Pathogenic for Tay-Sachs disease. Last evaluated: 2025-01-15. Review status: criteria provided, single submitter. Criteria: Invitae Variant Classification Sherloc (09022015). Collection method: clinical testing. Allele origin: germline.
Comment: This sequence change creates a premature translational stop signal (p.Ser310Cysfs*13) in the HEXA gene. It is expected to result in an absent or disrupted protein product. Loss-of-function variants in HEXA are known to be pathogenic (PMID: 1833974, 8490625). This variant is present in population databases (rs751248523, gnomAD 0.01%). This premature translational stop signal has been observed in individual(s) with Tay-Sachs disease (PMID: 1302612). ClinVar contains an entry for this variant (Variation ID: 562219). Algorithms developed to predict the effect of sequence changes on RNA splicing suggest that this variant may disrupt the consensus splice site. For these reasons, this variant has been classified as Pathogenic.

Mayo Clinic Laboratories, Mayo Clinic
Classification: Pathogenic. Last evaluated: 2024-04-08. Review status: criteria provided, single submitter. Criteria: ACMG Guidelines, 2015. Collection method: clinical testing. Allele origin: germline.
Comment: PP4, PM2_moderate, PM3, PS4_moderate, PVS1

Blueprint Genetics
Classification: Pathogenic for HEXA-related disorders. Last evaluated: 2023-12-14. Review status: criteria provided, single submitter. Criteria: ACMG Guidelines, 2015. Collection method: clinical testing. Allele origin: germline. Affected: yes. Observed: 3 variant alleles.

Fulgent Genetics
Classification: Pathogenic for Tay-Sachs disease. Last evaluated: 2021-11-05. Review status: criteria provided, single submitter. Criteria: ACMG Guidelines, 2015. Collection method: clinical testing. Allele origin: unknown.

GeneDx
Classification: Pathogenic. Last evaluated: 2019-10-28. Review status: criteria provided, single submitter. Criteria: GeneDx Variant Classification Process June 2021. Collection method: clinical testing. Allele origin: germline. Affected: yes.
Comment: Frameshift variant predicted to result in protein truncation or nonsense mediated decay in a gene for which loss-of-function is a known mechanism of disease; Not observed at a significant frequency in large population cohorts (Lek et al., 2016); This variant is associated with the following publications: (PMID: 1302612, 25557439)

GeneID Lab - Advanced Molecular Diagnostics
Classification: Pathogenic for Tay-Sachs disease. Last evaluated: 2019-07-29. Review status: criteria provided, single submitter. Criteria: ACMG Guidelines, 2015. Collection method: clinical testing. Allele origin: germline. Affected: no. Observed: 1 variant allele.
Comment: This variant causes a frameshift; starting at Serine 310, changes this amino acid to a Cysteine residue and creates a premature stop codon in the new reading frame, denoted p.Ser310Cysfs*13. This variant is predicted to cause loss of normal protein function either through protein truncation or nonsense-mediated mRNA decay. This finding is present in the gnomAD exomes database at an allele frequency of 0.0000517. This variant has been described in patiens diagnosed with Tay-Sachs disease (PMID: 1302612, 29352662). Based on these findings we consider this subtitution as "Pathogenic".

Women's Health and Genetics/Laboratory Corporation of America, LabCorp
Classification: Pathogenic for Tay-Sachs disease. Last evaluated: 2019-01-22. Review status: criteria provided, single submitter. Criteria: LabCorp Variant Classification Summary - May 2015. Collection method: clinical testing. Allele origin: germline.
Comment: Variant summary: HEXA c.929_930delCT (p.Ser310CysfsX13) results in a premature termination codon, predicted to cause a truncation of the encoded protein or absence of the protein due to nonsense mediated decay, which are commonly known mechanisms for disease. Truncations downstream of this position have been classified as pathogenic by our laboratory (eg. p.Gln390X, p.Tyr427fsX5, p.Arg510X). The variant allele was found at a frequency of 5.3e-05 in 246224 control chromosomes (gnomAD). This frequency is not significantly higher than expected for a pathogenic variant in HEXA causing Tay-Sachs Disease (5.3e-05 vs 0.0014), allowing no conclusion about variant significance. c.929_930delCT has been reported in the literature in individuals affected with Tay-Sachs Disease (Fernandes_1992, Nestrasil_2018, Utz_2015, Utz_2017). To our knowledge, no experimental evidence demonstrating an impact on protein function has been reported. A ClinVar submission from a clinical diagnostic laboratory (evaluation after 2014) cites the variant as pathogenic. Based on the evidence outlined above, the variant was classified as pathogenic.

OMIM
Classification: Pathogenic for TAY-SACHS DISEASE. Last evaluated: 2025-09-19. Review status: no assertion criteria provided. Collection method: literature only. Allele origin: germline. Not counted in ClinVar's aggregate classification.

Literature cited by the submitters: PubMed 29352662 (cited by 4 submitters); PubMed 1833974 (cited by Labcorp Genetics (formerly Invitae), Labcorp); PubMed 8490625 (cited by Labcorp Genetics (formerly Invitae), Labcorp); PubMed 1302612 (cited by 4 submitters); PubMed 25557439 (cited by Mayo Clinic Laboratories, Mayo Clinic); PubMed 28476546 (cited by Mayo Clinic Laboratories, Mayo Clinic).